The following is an entry in ClinVar:

ClinVar aggregate classification (germline): Likely benign. Review status: criteria provided, multiple submitters, no conflicts (2 of 4 stars). 5 submissions from 5 submitters: Likely benign (5). Last evaluated 2026-05-14.

Conditions:
Familial thoracic aortic aneurysm and aortic dissection (TAAD). Also called: Thoracic aortic aneurysms and dissections. Identifiers: Orphanet 91387, MedGen C4707243, MONDO:0019625.
Aortic aneurysm, familial thoracic 4 (AAT4). Also called: AORTIC ANEURYSM/AORTIC DISSECTION AND PATENT DUCTUS ARTERIOSUS. Identifiers: MedGen C1851504, MONDO:0007568, OMIM 132900.

Allele frequency attached by ClinVar (database versions not stated): TOPMed 0.00001; gnomAD 0.00002.
gnomAD v4.1: 5 of 1,613,882 alleles (0.00031%); highest among the groups gnomAD compares: Non-Finnish European, 0.00034%; no homozygotes.

Submissions (5):

Ambry Genetics
Classification: Likely benign for Familial thoracic aortic aneurysm and aortic dissection. Last evaluated: 2026-05-14. Review status: criteria provided, single submitter. Criteria: Ambry Variant Classification Scheme 2023. Collection method: clinical testing. Allele origin: germline.

CeGaT Center for Human Genetics Tuebingen
Classification: Likely benign. Last evaluated: 2026-05-01. Review status: criteria provided, single submitter. Criteria: CeGaT Center For Human Genetics Tuebingen Variant Classification Criteria Version 2. Collection method: clinical testing. Allele origin: germline. Affected: yes. Observed: 3 variant alleles.
Comment: MYH11: BP4, BP7

All of Us Research Program, National Institutes of Health
Classification: Likely benign for Familial thoracic aortic aneurysm and aortic dissection. Last evaluated: 2024-06-17. Review status: criteria provided, single submitter. Criteria: ACMG Guidelines, 2015. Collection method: clinical testing. Allele origin: germline. Inheritance: Autosomal dominant inheritance. Observed: 1 variant allele, 1 heterozygote.
Comment: This study involves interpretation of variants in research participants for the purpose of population health screening. Participant phenotype was not available at the time of variant classification. Additional details can be found in publication PMID: 35346344, PMCID: PMC8962531

Labcorp Genetics (formerly Invitae), Labcorp
Classification: Likely benign for Aortic aneurysm, familial thoracic 4. Last evaluated: 2023-07-19. Review status: criteria provided, single submitter. Criteria: Invitae Variant Classification Sherloc (09022015). Collection method: clinical testing. Allele origin: germline.

Color Diagnostics, LLC DBA Color Health
Classification: Likely benign for Familial thoracic aortic aneurysm and aortic dissection. Last evaluated: 2022-11-06. Review status: criteria provided, single submitter. Criteria: ACMG Guidelines, 2015. Collection method: clinical testing. Allele origin: germline.

NM_002474.3(MYH11):c.3960C>T (p.Thr1320=)

Genes: MYH11 (myosin heavy chain 11; minus strand), NDE1 (nudE neurodevelopment protein 1; plus strand). Cytogenetic location: 16p13.11.
Variant type: single nucleotide variant.
Coding change: c.3960C>T on transcript NM_002474.3 (MANE Select); coding-DNA position 3960, C replaced by T.
Protein change: p.Thr1320=; no amino-acid change (threonine 1320 retained).
Molecular consequence: synonymous variant. On other transcripts: 3 prime UTR variant (2).
Genome position (GRCh38, 1-based): chr16:15,724,891, G>A on the plus strand (C>T on the coding strand, the complement: MYH11 is on the minus strand). VCF-style: chr16-15724891-G-A. GRCh37 (hg19) VCF-style: chr16-15818748-G-A.
Other names: c.3960C>T (NM_002474.2); c.*640G>A (NM_017668.3, NM_001143979.2); c.3981C>T, p.Thr1327= (NM_001040113.2, NM_001040114.2); c.3960C>T, p.Thr1320= (NM_022844.3).
Identifiers: ClinVar variation 2184452 (VCV002184452.14), dbSNP rs1447957315, ClinGen allele CA493759600.